The following is an entry in ClinVar:

NM_006005.3(WFS1):c.47C>T (p.Pro16Leu)

Gene: WFS1 (wolframin ER transmembrane glycoprotein; plus strand). Cytogenetic location: 4p16.1.
Variant type: single nucleotide variant.
Coding change: c.47C>T on transcript NM_006005.3 (MANE Select); coding-DNA position 47, C replaced by T.
Protein change: p.Pro16Leu; replaces proline 16 with leucine.
Molecular consequence: missense variant.
Genome position (GRCh38, 1-based): chr4:6,277,502, C>T. VCF-style: chr4-6277502-C-T. GRCh37 (hg19) VCF-style: chr4-6279229-C-T.
Other names: c.47C>T, p.Pro16Leu (NM_001145853.1); short protein forms P16L.
Identifiers: ClinVar variation 1328332 (VCV001328332.11), dbSNP rs34653805, ClinGen allele CA2838782.

ClinVar aggregate classification (germline): Uncertain significance. Review status: criteria provided, multiple submitters, no conflicts (2 of 4 stars). 5 submissions from 5 submitters: Uncertain significance (3). 2 of the submissions do not count toward it. Last evaluated 2025-12-31.

Conditions:
Wolfram-like syndrome. Also called: HEARING LOSS, PROGRESSIVE, WITH OPTIC ATROPHY AND/OR IMPAIRED GLUCOSE REGULATION. Identifiers: Orphanet 411590, MedGen C3280358, MONDO:0013673, OMIM 614296.

Allele frequency attached by ClinVar (database versions not stated): TOPMed 0.00002; ExAC 0.00026.
gnomAD v4.1: 104 of 1,575,390 alleles (0.0066%); highest among the groups gnomAD compares: East Asian, 0.014%; no homozygotes.

Submissions (5):

Dasa
Classification: Uncertain significance for Wolfram-like syndrome. Last evaluated: 2025-12-31. Review status: criteria provided, single submitter. Criteria: DASA Assertion Criteria. Collection method: clinical testing. Allele origin: germline.
Comment: NM_006005.3(WFS1):c.47C>T (p.Pro16Leu) is a missense variant that results in the substitution of proline with leucine. This variant is rare in population databases. Computational prediction algorithms are consistent with a benign effect. The currently available literature and clinical evidence are not sufficient to establish a definitive association between this variant and the reported condition. Therefore, this variant is classified as a variant of uncertain significance.

Labcorp Genetics (formerly Invitae), Labcorp
Classification: Uncertain significance. Last evaluated: 2025-11-10. Review status: criteria provided, single submitter. Criteria: Invitae Variant Classification Sherloc (09022015). Collection method: clinical testing. Allele origin: germline.
Comment: This sequence change replaces proline, which is neutral and non-polar, with leucine, which is neutral and non-polar, at codon 16 of the WFS1 protein (p.Pro16Leu). This variant is present in population databases (rs34653805, gnomAD 0.02%). This variant has not been reported in the literature in individuals affected with WFS1-related conditions. ClinVar contains an entry for this variant (Variation ID: 1328332). Invitae Evidence Modeling of protein sequence and biophysical properties (such as structural, functional, and spatial information, amino acid conservation, physicochemical variation, residue mobility, and thermodynamic stability) indicates that this missense variant is not expected to disrupt WFS1 protein function with a negative predictive value of 95%. In summary, the available evidence is currently insufficient to determine the role of this variant in disease. Therefore, it has been classified as a Variant of Uncertain Significance.

Blueprint Genetics
Classification: Uncertain significance. Last evaluated: 2024-03-01. Review status: criteria provided, single submitter. Criteria: ACMG Guidelines, 2015. Collection method: clinical testing. Allele origin: germline.

Clinical Genetics DNA and cytogenetics Diagnostics Lab, Erasmus MC, Erasmus Medical Center
Classification: Likely benign. Review status: no assertion criteria provided. Collection method: clinical testing. Allele origin: germline. Affected: yes. Study: VKGL Data-share Consensus. Not counted in ClinVar's aggregate classification.

Laboratory of Diagnostic Genome Analysis, Leiden University Medical Center (LUMC)
Classification: Likely benign. Review status: no assertion criteria provided. Collection method: clinical testing. Allele origin: germline. Affected: yes. Study: VKGL Data-share Consensus. Not counted in ClinVar's aggregate classification.